The following is an entry in ClinVar:

ClinVar aggregate classification (germline): Uncertain significance (1 of 4 stars; one submission).

Submission:

Labcorp Genetics (formerly Invitae), Labcorp
Classification: Uncertain significance. Last evaluated: 2021-06-01. Review status: criteria provided, single submitter. Criteria: Invitae Variant Classification Sherloc (09022015). Collection method: clinical testing. Allele origin: germline.
Comment: A copy number gain of the genomic region encompassing the full coding sequence of the LRP5 gene has been identified. The boundaries of this event are unknown as they extend beyond the assayed region for this gene and therefore may encompass additional genes. As the precise location of this event is unknown, it may be in tandem or it may be located elsewhere in the genome. This variant has not been reported in the literature in individuals with LRP5-related conditions. Experimental studies and prediction algorithms are not available or were not evaluated, and the functional significance of this variant is currently unknown. In summary, the available evidence is currently insufficient to determine the role of this variant in disease. Therefore, it has been classified as a Variant of Uncertain Significance.

NC_000011.9:g.(?_68080183)_(68216538_?)dup

Gene: LRP5 (LDL receptor related protein 5; plus strand). Cytogenetic location: 11q13.2.
Variant type: Duplication.
Identifiers: ClinVar variation 1399990 (VCV001399990.1).